The following is an entry in ClinVar:

ClinVar aggregate classification (germline): Benign (1 of 4 stars; one submission).

Conditions:
Breast-ovarian cancer, familial, susceptibility to, 3. Also called: RAD51C-Related Breast/Ovarian Cancer. Identifiers: Orphanet 145, MedGen C3150659, MONDO:0013253, OMIM 613399.

Submission:

Myriad Genetics, Inc.
Classification: Benign for Breast-ovarian cancer, familial, susceptibility to, 3. Last evaluated: 2025-02-19. Review status: criteria provided, single submitter. Criteria: Myriad Autosomal Dominant, Autosomal Recessive and X-Linked Classification Criteria (2023). Collection method: clinical testing. Allele origin: unknown.
Comment: This variant is considered benign. This variant is a silent/synonymous amino acid change and it is not expected to impact splicing.

NM_058216.3(RAD51C):c.936G>T (p.Arg312=)

Gene: RAD51C (RAD51 paralog C; plus strand). Cytogenetic location: 17q22.
Variant type: single nucleotide variant.
Coding change: c.936G>T on transcript NM_058216.3 (MANE Select); coding-DNA position 936, G replaced by T.
Protein change: p.Arg312=; no amino-acid change (arginine 312 retained).
Molecular consequence: synonymous variant. On other transcripts: non-coding transcript variant (1).
Genome position (GRCh38, 1-based): chr17:58,724,071, G>T. VCF-style: chr17-58724071-G-T. GRCh37 (hg19) VCF-style: chr17-56801432-G-T.
Identifiers: ClinVar variation 3903712 (VCV003903712.1).